The following is an entry in ClinVar:

ClinVar aggregate classification (germline): Pathogenic (1 of 4 stars; one submission).

Conditions:
Diabetes insipidus, nephrogenic, X-linked. Also called: Nephrogenic Diabetes Insipidus, Type I. Identifiers: Orphanet 223, MedGen C1563705, MONDO:0010581, OMIM 304800.

Submission:

Pediatrics, West China Second University Hospital, Sichuan University
Classification: Pathogenic for Diabetes insipidus, nephrogenic, X-linked. Review status: criteria provided, single submitter. Criteria: ACMG Guidelines, 2015. Collection method: clinical testing. Allele origin: germline. Affected: yes.
Comment: This interval is of clinical significance as it contains the haploinsufficiency-sensitive gene AVPR2 and encompasses two protein-coding genes. While no associated syndromes for this specific region are reported in the Decipher or OMIM databases, a pathogenic case for this precise region (Accession: RCV003119200 | Region: Xq28 (chrX:153166735-153170999)) has been previously reported in ClinVar.

NC_000023.11:g.153902531_153911235del

Genes: ARHGAP4 (Rho GTPase activating protein 4; minus strand), AVPR2 (arginine vasopressin receptor 2; plus strand). Cytogenetic location: Xq28.
Variant type: Deletion.
Genome position: GRCh38: chrX:153,902,531-153,911,235. GRCh37 (hg19): chrX:153,167,985-153,176,689.
Identifiers: ClinVar variation 4077392 (VCV004077392.1).